The following is an entry in ClinVar:

ClinVar aggregate classification (germline): Pathogenic/Likely pathogenic. Review status: criteria provided, multiple submitters, no conflicts (2 of 4 stars). 4 submissions from 4 submitters: Pathogenic (1); Likely pathogenic (3). Last evaluated 2026-05-06.

Conditions:
Infantile GM1 gangliosidosis. Also called: Gangliosidosis, Generalized GM1, Type 1; GM1-gangliosidosis, type I; Gangliosidosis, generalized GM1, infantile form; GLB1 deficiency; GM1 gangliosidosis type 1. Identifiers: Orphanet 354, Orphanet 79255, MedGen C0268271, MONDO:0009260, OMIM 230500.
Mucopolysaccharidosis, MPS-IV-B (MPS4B). Also called: MORQUIO SYNDROME B; Mucopolysaccharidosis type IV B; Mucopolysaccharidosis Type IVB; Mucopolysaccharidosis Type IVB (Morquio B Disease); Mucopolysaccharidosis type 4B; Mucopolysaccharidosis type IVB (Morquio). Identifiers: Orphanet 309310, Orphanet 582, MedGen C0086652, MONDO:0009660, OMIM 253010.
GM1 gangliosidosis type 3. Also called: GM1-GANGLIOSIDOSIS, TYPE III; Gangliosidosis, Generalized GM1, Type 3; GANGLIOSIDOSIS, GENERALIZED GM1, ADULT TYPE; GANGLIOSIDOSIS, GENERALIZED GM1, CHRONIC TYPE; GANGLIOSIDOSIS, GENERALIZED GM1, TYPE III; Beta-galactosidase deficiency. Identifiers: Orphanet 79257, MedGen C0268273, MONDO:0009262, OMIM 230650.
GM1 gangliosidosis type 2. Also called: GM1-GANGLIOSIDOSIS, TYPE II; Gangliosidosis, Generalized GM1, Type 2; GANGLIOSIDOSIS, GENERALIZED GM1, JUVENILE TYPE; GANGLIOSIDOSIS, GENERALIZED GM1, TYPE II; Juvenile GM>1< gangliosidosis. Identifiers: Orphanet 354, Orphanet 79256, MedGen C0268272, MONDO:0009261, OMIM 230600.
GM1 gangliosidosis. Identifiers: Orphanet 354, MedGen C0085131, MONDO:0018149.
GLB1-related disorder. Also called: GLB1-related disorders. Identifiers: MedGen CN377807.

Allele frequency attached by ClinVar (database versions not stated): gnomAD exomes below 0.00001; ExAC 0.00001.
gnomAD v4.1: 2 of 1,614,246 alleles (0.00012%); highest among the groups gnomAD compares: Non-Finnish European, 0.00017%; no homozygotes.

Submissions (6):

Myriad Genetics, Inc.
Classification: Likely pathogenic for GLB1-related disorder. Last evaluated: 2026-05-06. Review status: criteria provided, single submitter. Criteria: Myriad Autosomal Dominant, Autosomal Recessive and X-Linked Classification Criteria (2023). Collection method: clinical testing. Allele origin: unknown.
Comment: NM_000404.2(GLB1):c.955+2T>G is a variant in a canonical splice site classified as likely pathogenic in the context of GLB1-related disorders. c.955+2T>G has been observed in a case with relevant disease (PMID: 31776384). Relevant functional assessments of this variant are not available in the literature. c.955+2T>G has not been observed in referenced population frequency databases. In summary, NM_000404.2(GLB1):c.955+2T>G is a variant in a canonical splice site in a gene where loss of function is a known mechanism of disease, is predicted to disrupt protein function, and has been observed more frequently in cases with the relevant disease than in healthy populations. Please note: this variant was assessed in the context of healthy population screening.

Natera, Inc.
Classification: Pathogenic for Mucopolysaccharidosis, MPS-IV-B. Last evaluated: 2024-04-02. Review status: criteria provided, single submitter. Criteria: Natera Variant Classification Schema (03/2026). Collection method: clinical testing. Allele origin: germline.
Comment: The c.955+2T>G variant in GLB1 is a canonical splice donor site variant predicted to affect pre-mRNA splicing, which may result in an abnormal transcript and altered protein product. This variant is expected to result in nonsense mediated decay, truncation, or a dysfunctional protein product. This variant is rare in the general population with a frequency below the threshold expected for the associated phenotype(s). This variant has been observed in one or more individuals affected with the associated recessive disease, as either homozygous or compound heterozygous with a second variant (PMID: 31776384). Given the available evidence, this variant is classified as Pathogenic.

Fulgent Genetics
Classification: Likely pathogenic for Infantile GM1 gangliosidosis; GM1 gangliosidosis type 2; GM1 gangliosidosis type 3; Mucopolysaccharidosis, MPS-IV-B. Last evaluated: 2024-03-24. Review status: criteria provided, single submitter. Criteria: ACMG Guidelines, 2015. Collection method: clinical testing. Allele origin: germline.

Labcorp Genetics (formerly Invitae), Labcorp
Classification: Likely pathogenic for Mucopolysaccharidosis, MPS-IV-B; GM1 gangliosidosis. Last evaluated: 2020-08-27. Review status: criteria provided, single submitter. Criteria: Invitae Variant Classification Sherloc (09022015). Collection method: clinical testing. Allele origin: germline.
Comment: The frequency data for this variant in the population databases is considered unreliable, as metrics indicate poor data quality at this position in the ExAC database. In summary, the currently available evidence indicates that the variant is pathogenic, but additional data are needed to prove that conclusively. Therefore, this variant has been classified as Likely Pathogenic. Donor and acceptor splice site variants typically lead to a loss of protein function (PMID: 16199547), and loss-of-function variants in GLB1 are known to be pathogenic (PMID: 18524657). Algorithms developed to predict the effect of sequence changes on RNA splicing suggest that this variant may disrupt the consensus splice site, but this prediction has not been confirmed by published transcriptional studies. This variant has not been reported in the literature in individuals with GLB1-related conditions. This sequence change affects a donor splice site in intron 9 of the GLB1 gene. It is expected to disrupt RNA splicing and likely results in an absent or disrupted protein product.

Dr. Peter K. Rogan Lab, Western University
No classification provided (evidence only). Condition: Nonpapillary renal cell carcinoma. Review status: no classification provided. Collection method: in vitro. Allele origin: not applicable. Functional consequence: retained intron. Not counted in ClinVar's aggregate classification.

Dr. Peter K. Rogan Lab, Western University
No classification provided (evidence only). Condition: Nonpapillary renal cell carcinoma. Review status: no classification provided. Collection method: in vitro. Allele origin: not applicable. Functional consequence: retained intron. Not counted in ClinVar's aggregate classification.

Literature cited by the submitters: PubMed 31776384 (cited by Myriad Genetics, Inc. and Natera, Inc.); PubMed 16199547 (cited by Labcorp Genetics (formerly Invitae), Labcorp); PubMed 18524657 (cited by Labcorp Genetics (formerly Invitae), Labcorp).

NM_000404.4(GLB1):c.955+2T>G

Gene: GLB1 (galactosidase beta 1; minus strand). Cytogenetic location: 3p22.3.
Variant type: single nucleotide variant.
Coding change: c.955+2T>G on transcript NM_000404.4 (MANE Select); the canonical splice donor site of the intron after coding-DNA position 955, T replaced by G.
Molecular consequence: splice donor variant.
Genome position (GRCh38, 1-based): chr3:33,051,756, A>C on the plus strand (T>G on the coding strand, the complement: GLB1 is on the minus strand). VCF-style: chr3-33051756-A-C. GRCh37 (hg19) VCF-style: chr3-33093248-A-C.
Other names: c.955+2T>G (NM_000404.3, NM_001393580.1); c.562+2T>G (NM_001135602.3); c.1099+2T>G (NM_001317040.2); c.865+2T>G (NM_001079811.3).
Identifiers: ClinVar variation 953471 (VCV000953471.11), dbSNP rs746883447, ClinGen allele CA2299551.